The following is an entry in ClinVar:

ClinVar aggregate classification (germline): Likely benign (0 of 4 stars; one submission).

Allele frequency attached by ClinVar (database versions not stated): ExAC 0.06357; gnomAD 0.11885 and 0.12990; 1000 Genomes Project 0.26637.

Submission:

Genetic Services Laboratory, University of Chicago
Classification: Likely benign for AllHighlyPenetrant. Review status: no assertion criteria provided. Collection method: clinical testing. Allele origin: germline. Inheritance: Autosomal dominant inheritance.
Comment: Likely benign based on allele frequency in 1000 Genomes Project or ESP global frequency and its presence in a patient with a rare or unrelated disease phenotype. NOT Sanger confirmed.

NM_001128164.2(ATXN1):c.633T>G (p.His211Gln)

Genes: ATXN1 (ataxin 1; minus strand), LOC108663993 (ataxin 1 repeat instability region; plus strand). Cytogenetic location: 6p22.3.
Variant type: single nucleotide variant.
Coding change: c.633T>G on transcript NM_001128164.2 (MANE Select); coding-DNA position 633, T replaced by G.
Protein change: p.His211Gln; replaces histidine 211 with glutamine.
Molecular consequence: missense variant. On other transcripts: 3 prime UTR variant (1).
Genome position (GRCh38, 1-based): chr6:16,327,678, A>C on the plus strand (T>G on the coding strand, the complement: ATXN1 is on the minus strand). VCF-style: chr6-16327678-A-C. GRCh37 (hg19) VCF-style: chr6-16327909-A-C.
Other names: c.633T>G, p.His211Gln (NM_000332.4); c.*46T>G (NM_001357857.2); short protein forms H211Q.
Identifiers: ClinVar variation 128501 (VCV000128501.7), dbSNP rs59310777, ClinGen allele CA151986.